The following is an entry in ClinVar:

ClinVar aggregate classification (germline): Conflicting classifications of pathogenicity. Review status: criteria provided, conflicting classifications (1 of 4 stars). 2 submissions from 2 submitters: Uncertain significance (1); Likely benign (1). Last evaluated 2026-02-01.

Allele frequency attached by ClinVar (database versions not stated): ExAC 0.00002; TOPMed 0.00003; gnomAD exomes 0.00005; gnomAD 0.00006.
gnomAD v4.1: 87 of 1,614,036 alleles (0.0054%); highest among the groups gnomAD compares: South Asian, 0.0066%; no homozygotes.

Submissions (2):

Labcorp Genetics (formerly Invitae), Labcorp
Classification: Likely benign. Last evaluated: 2026-02-01. Review status: criteria provided, single submitter. Criteria: Invitae Variant Classification Sherloc (09022015). Collection method: clinical testing. Allele origin: germline.

GeneDx
Classification: Uncertain significance. Last evaluated: 2024-07-16. Review status: criteria provided, single submitter. Criteria: GeneDx Variant Classification Process June 2021. Collection method: clinical testing. Allele origin: germline. Affected: yes.
Comment: Has not been previously published as pathogenic or benign to our knowledge; In silico analysis suggests this variant may impact gene splicing. In the absence of RNA/functional studies, the actual effect of this sequence change is unknown.

NM_144672.4(OTOA):c.1449C>T (p.Ser483=)

Gene: OTOA (otoancorin). Cytogenetic location: 16p12.2.
Variant type: single nucleotide variant.
Coding change: c.1449C>T on transcript NM_144672.4 (MANE Select); coding-DNA position 1449, C replaced by T.
Protein change: p.Ser483=; no amino-acid change (serine 483 retained).
Molecular consequence: synonymous variant.
Genome position (GRCh38, 1-based): chr16:21,715,113, C>T. VCF-style: chr16-21715113-C-T. GRCh37 (hg19) VCF-style: chr16-21726434-C-T.
Other names: c.1212C>T, p.Ser404= (NM_001161683.2); c.477C>T, p.Ser159= (NM_170664.3).
Identifiers: ClinVar variation 1186950 (VCV001186950.6), dbSNP rs772988754, ClinGen allele CA7952637.
Genomic context (GRCh38, chr16:21,715,113, plus strand): 5'-CAGCATGAAACGCAAGGACATCTCGCAGGTCCTGAGAAGTGCCGTCTCCCAGTATGTATC[C>T]GACTTGTCACCTGCCCAGCAGCAAGGTATCCTCAGCAAGGTGAGAGGAAGATGTCTGGTG-3'
Protein context (NP_653273.3, residues 473-493): VLRSAVSQYV[Ser483=]DLSPAQQQGI